The following is an entry in ClinVar:

ClinVar aggregate classification (germline): Likely benign. Review status: criteria provided, multiple submitters, no conflicts (2 of 4 stars). 2 submissions from 2 submitters: Likely benign (2). Last evaluated 2024-09-26.

Conditions:
Familial hypobetalipoproteinemia 1. Also called: APOB-Related Familial Hypobetalipoproteinemia; Hypobetalipoproteinemia, normotriglyceridemic; Acanthocytosis with hypobetalipoproteinemia. Identifiers: MedGen C4551990, MONDO:0014252, OMIM 615558.
Hypercholesterolemia, autosomal dominant, type B (FHCL2). Also called: Hyperlipoproteinemia Type IIb; Familial Hypercholesterolemia Type B; APOLIPOPROTEIN B-100, FAMILIAL DEFECTIVE; APOLIPOPROTEIN B-100, FAMILIAL LIGAND-DEFECTIVE; HYPERCHOLESTEROLEMIA, FAMILIAL, DUE TO LIGAND-DEFECTIVE APOLIPOPROTEIN B; APOB-Related Familial Hypercholesterolemia, Autosomal Dominant. Identifiers: MedGen C1704417, MONDO:0007751, OMIM 144010.
Familial hypercholesterolemia. Also called: Familial hypercholesterolemias; Familial hypercholesterolaemia. Identifiers: MedGen C0020445, MONDO:0005439.

Allele frequency attached by ClinVar (database versions not stated): gnomAD exomes below 0.00001; TOPMed 0.00002.
gnomAD v4.1: 4 of 1,567,940 alleles (0.00026%); highest among the groups gnomAD compares: Non-Finnish European, 0.00035%; no homozygotes.

Submissions (2):

GENinCode PLC
Classification: Likely benign for Familial hypercholesterolemia. Last evaluated: 2024-09-26. Review status: criteria provided, single submitter. Criteria: ACMG Guidelines, 2015. Collection method: clinical testing. Allele origin: germline.
Comment: This is a synonymous (silent) variant that is not predicted by SpliceAI to impact splicing. In addition, it occurs at a nucleotide that is not conserved. Therefore this variant has been classified as Likely Benign (BP4, BP7).

Labcorp Genetics (formerly Invitae), Labcorp
Classification: Likely benign for Familial hypobetalipoproteinemia 1; Hypercholesterolemia, autosomal dominant, type B. Last evaluated: 2024-02-17. Review status: criteria provided, single submitter. Criteria: Invitae Variant Classification Sherloc (09022015). Collection method: clinical testing. Allele origin: germline.

NM_000384.3(APOB):c.12378C>T (p.Ile4126=)

Gene: APOB (apolipoprotein B; minus strand). Cytogenetic location: 2p24.1.
Variant type: single nucleotide variant.
Coding change: c.12378C>T on transcript NM_000384.3 (MANE Select); coding-DNA position 12378, C replaced by T.
Protein change: p.Ile4126=; no amino-acid change (isoleucine 4126 retained).
Molecular consequence: synonymous variant.
Genome position (GRCh38, 1-based): chr2:21,003,044, G>A on the plus strand (C>T on the coding strand, the complement: APOB is on the minus strand). VCF-style: chr2-21003044-G-A. GRCh37 (hg19) VCF-style: chr2-21225916-G-A.
Identifiers: ClinVar variation 2146052 (VCV002146052.5), dbSNP rs1425740709, ClinGen allele CA425342513.